The following is an entry in ClinVar:

NM_006230.4(POLD2):c.368G>A (p.Arg123Gln)

Gene: POLD2 (DNA polymerase delta 2, accessory subunit; minus strand). Cytogenetic location: 7p13.
Variant type: single nucleotide variant.
Coding change: c.368G>A on transcript NM_006230.4 (MANE Select); coding-DNA position 368, G replaced by A.
Protein change: p.Arg123Gln; replaces arginine 123 with glutamine.
Molecular consequence: missense variant.
Genome position (GRCh38, 1-based): chr7:44,117,717, C>T on the plus strand (G>A on the coding strand, the complement: POLD2 is on the minus strand). VCF-style: chr7-44117717-C-T. GRCh37 (hg19) VCF-style: chr7-44157316-C-T.
Other names: c.368G>A, p.Arg123Gln (NM_001127218.3, NM_001256879.2); c.368G>A (NM_001127218.1); short protein forms R123Q.
Identifiers: ClinVar variation 2045044 (VCV002045044.5), dbSNP rs151209101, ClinGen allele CA4238871.

ClinVar aggregate classification (germline): Uncertain significance. Review status: criteria provided, multiple submitters, no conflicts (2 of 4 stars). 2 submissions from 2 submitters: Uncertain significance (2). Last evaluated 2025-08-28.

Allele frequency attached by ClinVar (database versions not stated): ExAC 0.00001; TOPMed 0.00005; gnomAD 0.00001; ESP Exome Variant Server 0.00008; gnomAD exomes 0.00002.
gnomAD v4.1: 35 of 1,613,466 alleles (0.0022%); highest among the groups gnomAD compares: Admixed American, 0.012%; no homozygotes.

Submissions (2):

Ambry Genetics
Classification: Uncertain significance. Last evaluated: 2025-08-28. Review status: criteria provided, single submitter. Criteria: Ambry Variant Classification Scheme 2023. Collection method: clinical testing. Allele origin: germline.

Labcorp Genetics (formerly Invitae), Labcorp
Classification: Uncertain significance. Last evaluated: 2024-06-12. Review status: criteria provided, single submitter. Criteria: Invitae Variant Classification Sherloc (09022015). Collection method: clinical testing. Allele origin: germline.
Comment: This sequence change replaces arginine, which is basic and polar, with glutamine, which is neutral and polar, at codon 158 of the POLD2 protein (p.Arg158Gln). This variant is present in population databases (rs151209101, gnomAD 0.005%). This variant has not been reported in the literature in individuals affected with POLD2-related conditions. ClinVar contains an entry for this variant (Variation ID: 2045044). Experimental studies and prediction algorithms are not available or were not evaluated, and the functional significance of this variant is currently unknown. In summary, the available evidence is currently insufficient to determine the role of this variant in disease. Therefore, it has been classified as a Variant of Uncertain Significance.